The following is an entry in ClinVar:

NM_001128205.2(SULF1):c.2338C>T (p.Arg780Cys)

Gene: SULF1 (sulfatase 1; plus strand). Cytogenetic location: 8q13.3.
Variant type: single nucleotide variant.
Coding change: c.2338C>T on transcript NM_001128205.2 (MANE Select); coding-DNA position 2338, C replaced by T.
Protein change: p.Arg780Cys; replaces arginine 780 with cysteine.
Molecular consequence: missense variant. On other transcripts: non-coding transcript variant (2), intron variant (2).
Genome position (GRCh38, 1-based): chr8:69,638,555, C>T. VCF-style: chr8-69638555-C-T. GRCh37 (hg19) VCF-style: chr8-70550790-C-T.
Other names: c.2338C>T, p.Arg780Cys (NM_001412833.1, NM_001412834.1, NM_001412835.1 and 7 more transcripts); c.2281C>T, p.Arg761Cys (NM_001412836.1, NM_001412837.1); c.2209C>T, p.Arg737Cys (NM_001412838.1, NM_001412839.1, NM_001412840.1 and 1 more transcripts); c.2152C>T, p.Arg718Cys (NM_001412841.1, NM_001412842.1); c.1738C>T, p.Arg580Cys (NM_001412844.1, NM_001412845.1); c.547C>T, p.Arg183Cys (NM_001412846.1); c.2285-180C>T (NM_001412851.1, NM_001412850.1); short protein forms R580C, R737C, R761C, R718C, R780C, R183C.
Identifiers: ClinVar variation 2846081 (VCV002846081.3), dbSNP rs751109620, ClinGen allele CA4776144.

ClinVar aggregate classification (germline): Uncertain significance (1 of 4 stars; one submission).

Allele frequency attached by ClinVar (database versions not stated): gnomAD exomes below 0.00001; gnomAD 0.00001; ExAC 0.00001.
gnomAD v4.1: 6 of 1,613,790 alleles (0.00037%); highest among the groups gnomAD compares: Non-Finnish European, 0.00051%; no homozygotes.

Submission:

Labcorp Genetics (formerly Invitae), Labcorp
Classification: Uncertain significance. Last evaluated: 2025-09-15. Review status: criteria provided, single submitter. Criteria: Invitae Variant Classification Sherloc (09022015). Collection method: clinical testing. Allele origin: germline.
Comment: This sequence change replaces arginine, which is basic and polar, with cysteine, which is neutral and slightly polar, at codon 780 of the SULF1 protein (p.Arg780Cys). This variant is not present in population databases (gnomAD no frequency). This variant has not been reported in the literature in individuals affected with SULF1-related conditions. ClinVar contains an entry for this variant (Variation ID: 2846081). An algorithm developed to predict the effect of missense changes on protein structure and function (PolyPhen-2) suggests that this variant is likely to be disruptive. In summary, the available evidence is currently insufficient to determine the role of this variant in disease. Therefore, it has been classified as a Variant of Uncertain Significance.